The following is an entry in ClinVar:

ClinVar aggregate classification (germline): Uncertain significance. Review status: criteria provided, multiple submitters, no conflicts (2 of 4 stars). 3 submissions from 3 submitters: Uncertain significance (3). Last evaluated 2025-07-03.

Conditions:
Cardiovascular phenotype. Identifiers: MedGen CN230736.
Hypertrophic cardiomyopathy. Also called: HYPERTROPHIC MYOCARDIOPATHY. Identifiers: Orphanet 217569, MedGen C0007194, MeSH D002312, MONDO:0005045, HP:0001639.

Submissions (3):

Ambry Genetics
Classification: Uncertain significance for Cardiovascular phenotype. Last evaluated: 2025-07-03. Review status: criteria provided, single submitter. Criteria: Ambry Variant Classification Scheme 2023. Collection method: clinical testing. Allele origin: germline.
Comment: The p.G1099E variant (also known as c.3296G>A), located in coding exon 30 of the MYBPC3 gene, results from a G to A substitution at nucleotide position 3296. The glycine at codon 1099 is replaced by glutamic acid, an amino acid with similar properties. This variant was reported in individual(s) with features consistent with hypertrophic cardiomyopathy (HCM) (Jaafar N et al. Genet Test Mol Biomarkers, 2016 Nov;20:674-679; Ambry internal data). This amino acid position is highly conserved in available vertebrate species. In addition, this alteration is predicted to be deleterious by in silico analysis. Based on the available evidence, the clinical significance of this variant remains unclear.

All of Us Research Program, National Institutes of Health
Classification: Uncertain significance for Hypertrophic cardiomyopathy. Last evaluated: 2024-08-13. Review status: criteria provided, single submitter. Criteria: ACMG Guidelines, 2015. Collection method: clinical testing. Allele origin: germline. Inheritance: Autosomal dominant inheritance. Observed: 1 variant allele, 1 heterozygote.
Comment: This missense variant replaces glycine with glutamic acid at codon 1099 of the MYBPC3 protein. Computational prediction tools indicate that this variant has a deleterious impact on protein structure and function. To our knowledge, functional studies have not been reported for this variant. This variant has been reported in an individual affected hypertrophic cardiomyopathy (PMID: 27574918). This variant has been identified in 1/214272 chromosomes in the general population by the Genome Aggregation Database (gnomAD). The available evidence is insufficient to determine the role of this variant in disease conclusively. Therefore, this variant is classified as a Variant of Uncertain Significance.

This study involves interpretation of variants in research participants for the purpose of population health screening. Participant phenotype was not available at the time of variant classification. Additional details can be found in publication PMID: 35346344, PMCID: PMC8962531

Labcorp Genetics (formerly Invitae), Labcorp
Classification: Uncertain significance for Hypertrophic cardiomyopathy. Last evaluated: 2024-07-22. Review status: criteria provided, single submitter. Criteria: Invitae Variant Classification Sherloc (09022015). Collection method: clinical testing. Allele origin: germline.
Comment: This sequence change replaces glycine, which is neutral and non-polar, with glutamic acid, which is acidic and polar, at codon 1099 of the MYBPC3 protein (p.Gly1099Glu). The frequency data for this variant in the population databases is considered unreliable, as metrics indicate poor data quality at this position in the gnomAD database. This missense change has been observed in individual(s) with hypertrophic cardiomyopathy (PMID: 27574918). An algorithm developed to predict the effect of missense changes on protein structure and function (PolyPhen-2) suggests that this variant is likely to be disruptive. In summary, the available evidence is currently insufficient to determine the role of this variant in disease. Therefore, it has been classified as a Variant of Uncertain Significance.

Literature cited by the submitters: PubMed 27574918 (cited by 3 submitters).

NM_000256.3(MYBPC3):c.3296G>A (p.Gly1099Glu)

Gene: MYBPC3 (myosin binding protein C3; minus strand). Cytogenetic location: 11p11.2.
Variant type: single nucleotide variant.
Coding change: c.3296G>A on transcript NM_000256.3 (MANE Select); coding-DNA position 3296, G replaced by A.
Protein change: p.Gly1099Glu; replaces glycine 1099 with glutamic acid.
Molecular consequence: missense variant.
Genome position (GRCh38, 1-based): chr11:47,333,228, C>T on the plus strand (G>A on the coding strand, the complement: MYBPC3 is on the minus strand). VCF-style: chr11-47333228-C-T. GRCh37 (hg19) VCF-style: chr11-47354779-C-T.
Other names: short protein forms G1099E.
Identifiers: ClinVar variation 3387096 (VCV003387096.4).